The following is an entry in ClinVar:

ClinVar aggregate classification (germline): Uncertain significance (1 of 4 stars; one submission).

Submission:

Labcorp Genetics (formerly Invitae), Labcorp
Classification: Uncertain significance. Last evaluated: 2025-09-03. Review status: criteria provided, single submitter. Criteria: Invitae Variant Classification Sherloc (09022015). Collection method: clinical testing. Allele origin: germline.
Comment: This variant, c.919_921del, results in the deletion of 1 amino acid(s) of the TUBA8 protein (p.Pro307del), but otherwise preserves the integrity of the reading frame. This variant is present in population databases (rs764285522, gnomAD 0.007%). This variant has not been reported in the literature in individuals affected with TUBA8-related conditions. In summary, the available evidence is currently insufficient to determine the role of this variant in disease. Therefore, it has been classified as a Variant of Uncertain Significance.

NM_018943.3(TUBA8):c.919_921del (p.Pro307del)

Gene: TUBA8 (tubulin alpha 8; plus strand). Cytogenetic location: 22q11.21.
Variant type: Deletion.
Coding change: c.919_921del on transcript NM_018943.3 (MANE Select); coding-DNA positions 919 to 921, 3 bases deleted (CCG; older notation c.919_921delCCG).
Protein change: p.Pro307del; deletes proline 307.
Molecular consequence: inframe deletion.
Genome position (GRCh38, 1-based): chr22:18,126,897-18,126,899, CCG deleted. VCF-style (leftmost placement, unchanged base first): chr22-18126896-CCCG-C. GRCh37 (hg19) VCF-style: chr22-18609663-CCCG-C.
Other names: c.721_723del, p.Pro241del (NM_001193414.2); short protein forms P307del, P241del.
Identifiers: ClinVar variation 4697827 (VCV004697827.1).